The following is an entry in ClinVar:

NM_000651.6(CR1):c.990C>T (p.Tyr330=)

Gene: CR1 (complement C3b/C4b receptor 1 (Knops blood group); plus strand). Cytogenetic location: 1q32.2.
Variant type: single nucleotide variant.
Coding change: c.990C>T on transcript NM_000651.6 (MANE Select); coding-DNA position 990, C replaced by T.
Protein change: p.Tyr330=; no amino-acid change (tyrosine 330 retained).
Molecular consequence: synonymous variant.
Genome position (GRCh38, 1-based): chr1:207,526,856, C>T. VCF-style: chr1-207526856-C-T. GRCh37 (hg19) VCF-style: chr1-207700201-C-T.
Other names: c.990C>T, p.Tyr330= (NM_000573.4).
Identifiers: ClinVar variation 2639870 (VCV002639870.24), dbSNP rs755952223, ClinGen allele CA1369566.

ClinVar aggregate classification (germline): Likely benign (1 of 4 stars; one submission).

Allele frequency attached by ClinVar (database versions not stated): ExAC 0.00003; gnomAD 0.00034; 1000 Genomes Project 30x 0.00125.

Submission:

CeGaT Center for Human Genetics Tuebingen
Classification: Likely benign. Last evaluated: 2024-05-01. Review status: criteria provided, single submitter. Criteria: CeGaT Center For Human Genetics Tuebingen Variant Classification Criteria Version 2. Collection method: clinical testing. Allele origin: germline. Affected: yes. Observed: 4 variant alleles.
Comment: CR1: BP4, BP7